The following is an entry in ClinVar:

ClinVar aggregate classification (germline): Uncertain significance (1 of 4 stars; one submission).

Conditions:
Glycogen storage disease, type II (IOPD). Also called: Glycogen storage disease type 2; Acid maltase deficiency disease; Aglucosidase alfa; Deficiency of alpha-glucosidase; Deficiency of lysosomal alpha-glucosidase; GLYCOGENOSIS, GENERALIZED, CARDIAC FORM. Identifiers: Orphanet 365, MedGen C0017921, MONDO:0009290, OMIM 232300.

Submission:

Labcorp Genetics (formerly Invitae), Labcorp
Classification: Uncertain significance for Glycogen storage disease, type II. Last evaluated: 2021-12-08. Review status: criteria provided, single submitter. Criteria: Invitae Variant Classification Sherloc (09022015). Collection method: clinical testing. Allele origin: germline.
Comment: This sequence change replaces proline, which is neutral and non-polar, with glutamine, which is neutral and polar, at codon 186 of the GAA protein (p.Pro186Gln). This variant is not present in population databases (gnomAD no frequency). This variant has not been reported in the literature in individuals affected with GAA-related conditions. Advanced modeling of protein sequence and biophysical properties (such as structural, functional, and spatial information, amino acid conservation, physicochemical variation, residue mobility, and thermodynamic stability) performed at Invitae indicates that this missense variant is expected to disrupt GAA protein function. In summary, the available evidence is currently insufficient to determine the role of this variant in disease. Therefore, it has been classified as a Variant of Uncertain Significance.

NM_000152.5(GAA):c.557C>A (p.Pro186Gln)

Gene: GAA (alpha glucosidase; plus strand). Cytogenetic location: 17q25.3.
Variant type: single nucleotide variant.
Coding change: c.557C>A on transcript NM_000152.5 (MANE Select); coding-DNA position 557, C replaced by A.
Protein change: p.Pro186Gln; replaces proline 186 with glutamine.
Molecular consequence: missense variant.
Genome position (GRCh38, 1-based): chr17:80,105,759, C>A. VCF-style: chr17-80105759-C-A. GRCh37 (hg19) VCF-style: chr17-78079558-C-A.
Other names: c.557C>A, p.Pro186Gln (NM_001079803.3, NM_001079804.3, NM_001406741.1 and 1 more transcripts); short protein forms P186Q.
Identifiers: ClinVar variation 2038406 (VCV002038406.4), dbSNP rs2510350238, ClinGen allele CA401362072.
Genomic context (GRCh38, chr17:80,105,759, plus strand): 5'-GGAGAGTAAGGTGGCTGTGGGGAACATCAATAAACCCCCATCTCTTCTAGATCAAAGATC[C>A]AGCTAACAGGCGCTACGAGGTGCCCTTGGAGACCCCGCATGTCCACAGCCGGGCACCGTC-3'
Protein context (NP_000143.2, residues 176-196): ENRLHFTIKD[Pro186Gln]ANRRYEVPLE